The following is an entry in ClinVar:

NM_004119.3(FLT3):c.1249A>C (p.Ile417Leu)

Gene: FLT3 (fms related receptor tyrosine kinase 3; minus strand). Cytogenetic location: 13q12.2.
Variant type: single nucleotide variant.
Coding change: c.1249A>C on transcript NM_004119.3 (MANE Select); coding-DNA position 1249, A replaced by C.
Protein change: p.Ile417Leu; replaces isoleucine 417 with leucine.
Molecular consequence: missense variant. On other transcripts: non-coding transcript variant (1).
Genome position (GRCh38, 1-based): chr13:28,037,245, T>G on the plus strand (A>C on the coding strand, the complement: FLT3 is on the minus strand). VCF-style: chr13-28037245-T-G. GRCh37 (hg19) VCF-style: chr13-28611382-T-G.
Other names: short protein forms I417L.
Identifiers: ClinVar variation 134433 (VCV000134433.6), dbSNP rs56090538, ClinGen allele CA159804.

ClinVar aggregate classification (germline): Benign. Review status: criteria provided, multiple submitters, no conflicts (2 of 4 stars). 3 submissions from 3 submitters: Benign (2). 1 of the submissions does not count toward it. Last evaluated 2019-12-31.

Allele frequency attached by ClinVar (database versions not stated): gnomAD exomes 0.00093 and 0.00261; ExAC 0.00336; gnomAD 0.00936 and 0.01006; TOPMed 0.01031; 1000 Genomes Project 0.01098; ESP Exome Variant Server 0.01115; 1000 Genomes Project 30x 0.01249.
gnomAD v4.1: 2,868 of 1,612,380 alleles (0.18%); highest among the groups gnomAD compares: African/African-American, 3.1%; 56 homozygotes.

Submissions (3):

Labcorp Genetics (formerly Invitae), Labcorp
Classification: Benign. Last evaluated: 2019-12-31. Review status: criteria provided, single submitter. Criteria: Invitae Variant Classification Sherloc (09022015). Collection method: clinical testing. Allele origin: germline.

Breakthrough Genomics
Classification: Benign. Review status: criteria provided, single submitter. Criteria: ACMG Guidelines, 2015. Collection method: not provided. Allele origin: germline. Inheritance: Autosomal dominant inheritance. Affected: yes.

ITMI
No classification provided. Condition: AllHighlyPenetrant. Last evaluated: 2013-09-19. Review status: no classification provided. Collection method: reference population. Allele origin: germline. Not counted in ClinVar's aggregate classification.
Comment: Please see associated publication for description of ethnicities

Literature cited by the submitters: PubMed 24728327 (cited by ITMI).